The following is an entry in ClinVar:

NM_001128178.3(NPHP1):c.43C>A (p.Arg15Ser)

Gene: NPHP1 (nephrocystin 1; minus strand). Cytogenetic location: 2q13.
Variant type: single nucleotide variant.
Coding change: c.43C>A on transcript NM_001128178.3 (MANE Select); coding-DNA position 43, C replaced by A.
Protein change: p.Arg15Ser; replaces arginine 15 with serine.
Molecular consequence: missense variant.
Genome position (GRCh38, 1-based): chr2:110,204,926, G>T on the plus strand (C>A on the coding strand, the complement: NPHP1 is on the minus strand). VCF-style: chr2-110204926-G-T. GRCh37 (hg19) VCF-style: chr2-110962503-G-T.
Other names: c.43C>A, p.Arg15Ser (NM_000272.5, NM_001128179.3, NM_001374256.1 and 2 more transcripts); short protein forms R15S.
Identifiers: ClinVar variation 430207 (VCV000430207.15), dbSNP rs373915635, ClinGen allele CA1827542.

ClinVar aggregate classification (germline): Conflicting classifications of pathogenicity. Review status: criteria provided, conflicting classifications (1 of 4 stars). 3 submissions from 3 submitters: Uncertain significance (1); Likely benign (1). 1 of the submissions does not count toward it. Last evaluated 2026-01-26.

Conditions:
NPHP1-related disorder. Also called: NPHP1-related condition; NPHP1-related disorders.
Nephronophthisis. Also called: Juvenile Nephronophthisis. Identifiers: Orphanet 655, MedGen C0687120, MONDO:0019005, HP:0000090.

Allele frequency attached by ClinVar (database versions not stated): TOPMed 0.00002; gnomAD exomes 0.00029; ExAC 0.00031; 1000 Genomes Project 0.00040; 1000 Genomes Project 30x 0.00047.
gnomAD v4.1: 260 of 1,614,018 alleles (0.016%); highest among the groups gnomAD compares: South Asian, 0.27%; 1 homozygote.

Submissions (3):

Labcorp Genetics (formerly Invitae), Labcorp
Classification: Likely benign for Nephronophthisis. Last evaluated: 2026-01-26. Review status: criteria provided, single submitter. Criteria: Invitae Variant Classification Sherloc (09022015). Collection method: clinical testing. Allele origin: germline.

GeneDx
Classification: Uncertain significance. Last evaluated: 2019-11-25. Review status: criteria provided, single submitter. Criteria: GeneDx Variant Classification Process June 2021. Collection method: clinical testing. Allele origin: germline. Affected: yes.
Comment: In silico analysis, which includes protein predictors and evolutionary conservation, supports a deleterious effect; Has not been previously published as pathogenic or benign to our knowledge

PreventionGenetics, part of Exact Sciences
Classification: Likely benign for NPHP1-related condition. Last evaluated: 2022-10-23. Review status: no assertion criteria provided. Collection method: clinical testing. Allele origin: germline. Not counted in ClinVar's aggregate classification.
Comment: This variant is classified as likely benign based on ACMG/AMP sequence variant interpretation guidelines (Richards et al. 2015 PMID: 25741868, with internal and published modifications).